The following is an entry in ClinVar:

NM_005097.4(LGI1):c.722C>A (p.Thr241Asn)

Gene: LGI1 (leucine rich glioma inactivated 1; plus strand). Cytogenetic location: 10q23.33.
Variant type: single nucleotide variant.
Coding change: c.722C>A on transcript NM_005097.4 (MANE Select); coding-DNA position 722, C replaced by A.
Protein change: p.Thr241Asn; replaces threonine 241 with asparagine.
Molecular consequence: missense variant. On other transcripts: non-coding transcript variant (1).
Genome position (GRCh38, 1-based): chr10:93,793,234, C>A. VCF-style: chr10-93793234-C-A. GRCh37 (hg19) VCF-style: chr10-95552991-C-A.
Other names: c.722C>A, p.Thr241Asn (NM_001308275.2); c.578C>A, p.Thr193Asn (NM_001308276.2); short protein forms T193N, T241N.
Identifiers: ClinVar variation 3628866 (VCV003628866.2).
Genomic context (GRCh38, chr10:93,793,234, plus strand): 5'-CTATTTTTGCAGAATTTGCAAAGTCTCAAGACCTGCCTTATCAATCATTGTCCATAGACA[C>A]TTTTTCTTATTTGAATGATGAGTATGTAGTCATCGCTCAGCCTTTTACTGGAAAATGCAT-3'
Protein context (NP_005088.1, residues 231-251): DLPYQSLSID[Thr241Asn]FSYLNDEYVV

ClinVar aggregate classification (germline): Uncertain significance (1 of 4 stars; one submission).

Conditions:
Autosomal dominant epilepsy with auditory features. Identifiers: Orphanet 101046, MedGen C1838062, MONDO:0010898.

gnomAD v4.1: 2 of 1,613,460 alleles (0.00012%); highest among the groups gnomAD compares: East Asian, 0.0045%; no homozygotes.

Submission:

Labcorp Genetics (formerly Invitae), Labcorp
Classification: Uncertain significance for Autosomal dominant epilepsy with auditory features. Last evaluated: 2024-04-10. Review status: criteria provided, single submitter. Criteria: Invitae Variant Classification Sherloc (09022015). Collection method: clinical testing. Allele origin: germline.
Comment: This sequence change replaces threonine, which is neutral and polar, with asparagine, which is neutral and polar, at codon 241 of the LGI1 protein (p.Thr241Asn). This variant is present in population databases (rs754980689, gnomAD 0.02%). This variant has not been reported in the literature in individuals affected with LGI1-related conditions. Advanced modeling of protein sequence and biophysical properties (such as structural, functional, and spatial information, amino acid conservation, physicochemical variation, residue mobility, and thermodynamic stability) performed at Invitae indicates that this missense variant is not expected to disrupt LGI1 protein function with a negative predictive value of 80%. In summary, the available evidence is currently insufficient to determine the role of this variant in disease. Therefore, it has been classified as a Variant of Uncertain Significance.